The following is an entry in ClinVar:

ClinVar aggregate classification (germline): Uncertain significance (1 of 4 stars; one submission).

gnomAD v4.1: 3 of 1,613,364 alleles (0.00019%); highest among the groups gnomAD compares: Non-Finnish European, 0.00025%; no homozygotes.

Submission:

GeneDx
Classification: Uncertain significance. Last evaluated: 2024-03-26. Review status: criteria provided, single submitter. Criteria: GeneDx Variant Classification Process June 2021. Collection method: clinical testing. Allele origin: germline. Affected: yes.
Comment: Not observed at significant frequency in large population cohorts (gnomAD); In silico analysis supports that this missense variant does not alter protein structure/function; Has not been previously published as pathogenic or benign to our knowledge

NM_015057.5(MYCBP2):c.8216G>T (p.Ser2739Ile)

Gene: MYCBP2 (MYC binding protein 2; minus strand). Cytogenetic location: 13q22.3.
Variant type: single nucleotide variant.
Coding change: c.8216G>T on transcript NM_015057.5 (MANE Select); coding-DNA position 8216, G replaced by T.
Protein change: p.Ser2739Ile; replaces serine 2739 with isoleucine.
Molecular consequence: missense variant.
Genome position (GRCh38, 1-based): chr13:77,098,938, C>A on the plus strand (G>T on the coding strand, the complement: MYCBP2 is on the minus strand). VCF-style: chr13-77098938-C-A. GRCh37 (hg19) VCF-style: chr13-77673073-C-A.
Other names: short protein forms S2739I.
Identifiers: ClinVar variation 3359478 (VCV003359478.1).